The following is an entry in ClinVar:

ClinVar aggregate classification (germline): Benign/Likely benign. Review status: criteria provided, multiple submitters, no conflicts (2 of 4 stars). 3 submissions from 3 submitters: Benign (1); Likely benign (2). Last evaluated 2026-09-01.

Allele frequency attached by ClinVar (database versions not stated): 1000 Genomes Project 0.00439; 1000 Genomes Project 30x 0.00468; TOPMed 0.00871; ESP Exome Variant Server 0.00970; gnomAD 0.01004 and 0.01058; ExAC 0.01103.
gnomAD v4.1: 18,116 of 1,533,750 alleles (1.2%); highest among the groups gnomAD compares: Non-Finnish European, 1.3%; 140 homozygotes.

Submissions (42):

CeGaT Center for Human Genetics Tuebingen
Classification: Benign. Last evaluated: 2026-09-01. Review status: criteria provided, single submitter. Criteria: CeGaT Center For Human Genetics Tuebingen Variant Classification Criteria Version 2. Collection method: clinical testing. Allele origin: germline. Affected: yes. Observed: 69 variant alleles.
Comment: FUS: BS1, BS2

GeneDx
Classification: Likely benign. Last evaluated: 2018-08-17. Review status: criteria provided, single submitter. Criteria: GeneDx Variant Classification Process June 2021. Collection method: clinical testing. Allele origin: germline. Affected: yes.

Breakthrough Genomics
Classification: Likely benign. Review status: criteria provided, single submitter. Criteria: ACMG Guidelines, 2015. Collection method: not provided. Allele origin: germline. Inheritance: Autosomal dominant inheritance. Affected: yes.

Dr. Peter K. Rogan Lab, Western University
No classification provided (evidence only). Condition: Lung cancer. Review status: no classification provided. Collection method: in vitro. Allele origin: not applicable. Functional consequence: retained intron. Not counted in ClinVar's aggregate classification.

Dr. Peter K. Rogan Lab, Western University
No classification provided (evidence only). Condition: Lung cancer. Review status: no classification provided. Collection method: in vitro. Allele origin: not applicable. Functional consequence: retained intron. Not counted in ClinVar's aggregate classification.

Dr. Peter K. Rogan Lab, Western University
No classification provided (evidence only). Condition: Familial cancer of breast. Review status: no classification provided. Collection method: in vitro. Allele origin: not applicable. Functional consequence: retained intron. Not counted in ClinVar's aggregate classification.

Dr. Peter K. Rogan Lab, Western University
No classification provided (evidence only). Condition: Acute myeloid leukemia. Review status: no classification provided. Collection method: in vitro. Allele origin: not applicable. Functional consequence: retained intron. Not counted in ClinVar's aggregate classification.

Dr. Peter K. Rogan Lab, Western University
No classification provided (evidence only). Condition: Acute myeloid leukemia. Review status: no classification provided. Collection method: in vitro. Allele origin: not applicable. Functional consequence: skipped exon, retained intron. Not counted in ClinVar's aggregate classification.

Dr. Peter K. Rogan Lab, Western University
No classification provided (evidence only). Condition: Uterine corpus endometrial carcinoma. Review status: no classification provided. Collection method: in vitro. Allele origin: not applicable. Functional consequence: retained intron. Not counted in ClinVar's aggregate classification.

Dr. Peter K. Rogan Lab, Western University
No classification provided (evidence only). Condition: Uterine corpus endometrial carcinoma. Review status: no classification provided. Collection method: in vitro. Allele origin: not applicable. Functional consequence: retained intron. Not counted in ClinVar's aggregate classification.

Dr. Peter K. Rogan Lab, Western University
No classification provided (evidence only). Condition: Uterine corpus endometrial carcinoma. Review status: no classification provided. Collection method: in vitro. Allele origin: not applicable. Functional consequence: skipped exon, retained intron. Not counted in ClinVar's aggregate classification.

Dr. Peter K. Rogan Lab, Western University
No classification provided (evidence only). Condition: Cervical cancer. Review status: no classification provided. Collection method: in vitro. Allele origin: not applicable. Functional consequence: skipped exon, retained intron. Not counted in ClinVar's aggregate classification.

Dr. Peter K. Rogan Lab, Western University
No classification provided (evidence only). Condition: Cervical cancer. Review status: no classification provided. Collection method: in vitro. Allele origin: not applicable. Functional consequence: retained intron. Not counted in ClinVar's aggregate classification.

Dr. Peter K. Rogan Lab, Western University
No classification provided (evidence only). Condition: Cervical cancer. Review status: no classification provided. Collection method: in vitro. Allele origin: not applicable. Functional consequence: retained intron. Not counted in ClinVar's aggregate classification.

Dr. Peter K. Rogan Lab, Western University
No classification provided (evidence only). Condition: Cervical cancer. Review status: no classification provided. Collection method: in vitro. Allele origin: not applicable. Functional consequence: retained intron. Not counted in ClinVar's aggregate classification.

Dr. Peter K. Rogan Lab, Western University
No classification provided (evidence only). Condition: Cervical cancer. Review status: no classification provided. Collection method: in vitro. Allele origin: not applicable. Functional consequence: retained intron. Not counted in ClinVar's aggregate classification.

Dr. Peter K. Rogan Lab, Western University
No classification provided (evidence only). Condition: Sarcoma. Review status: no classification provided. Collection method: in vitro. Allele origin: not applicable. Functional consequence: retained intron. Not counted in ClinVar's aggregate classification.

Dr. Peter K. Rogan Lab, Western University
No classification provided (evidence only). Condition: Malignant lymphoma, large B-cell, diffuse. Review status: no classification provided. Collection method: in vitro. Allele origin: not applicable. Functional consequence: retained intron. Not counted in ClinVar's aggregate classification.

Dr. Peter K. Rogan Lab, Western University
No classification provided (evidence only). Condition: Thymoma. Review status: no classification provided. Collection method: in vitro. Allele origin: not applicable. Functional consequence: retained intron. Not counted in ClinVar's aggregate classification.

Dr. Peter K. Rogan Lab, Western University
No classification provided (evidence only). Condition: Thymoma. Review status: no classification provided. Collection method: in vitro. Allele origin: not applicable. Functional consequence: retained intron. Not counted in ClinVar's aggregate classification.

Dr. Peter K. Rogan Lab, Western University
No classification provided (evidence only). Condition: Thymoma. Review status: no classification provided. Collection method: in vitro. Allele origin: not applicable. Functional consequence: retained intron. Not counted in ClinVar's aggregate classification.

Dr. Peter K. Rogan Lab, Western University
No classification provided (evidence only). Condition: Thymoma. Review status: no classification provided. Collection method: in vitro. Allele origin: not applicable. Functional consequence: skipped exon, retained intron. Not counted in ClinVar's aggregate classification.

Dr. Peter K. Rogan Lab, Western University
No classification provided (evidence only). Condition: Cholangiocarcinoma. Review status: no classification provided. Collection method: in vitro. Allele origin: not applicable. Functional consequence: retained intron. Not counted in ClinVar's aggregate classification.

Dr. Peter K. Rogan Lab, Western University
No classification provided (evidence only). Condition: Ovarian serous cystadenocarcinoma. Review status: no classification provided. Collection method: in vitro. Allele origin: not applicable. Functional consequence: retained intron. Not counted in ClinVar's aggregate classification.

Dr. Peter K. Rogan Lab, Western University
No classification provided (evidence only). Condition: Ovarian serous cystadenocarcinoma. Review status: no classification provided. Collection method: in vitro. Allele origin: not applicable. Functional consequence: skipped exon, retained intron. Not counted in ClinVar's aggregate classification.

Dr. Peter K. Rogan Lab, Western University
No classification provided (evidence only). Condition: Ovarian serous cystadenocarcinoma. Review status: no classification provided. Collection method: in vitro. Allele origin: not applicable. Functional consequence: retained intron. Not counted in ClinVar's aggregate classification.

Dr. Peter K. Rogan Lab, Western University
No classification provided (evidence only). Condition: Ovarian serous cystadenocarcinoma. Review status: no classification provided. Collection method: in vitro. Allele origin: not applicable. Functional consequence: retained intron. Not counted in ClinVar's aggregate classification.

Dr. Peter K. Rogan Lab, Western University
No classification provided (evidence only). Condition: Ovarian serous cystadenocarcinoma. Review status: no classification provided. Collection method: in vitro. Allele origin: not applicable. Functional consequence: retained intron. Not counted in ClinVar's aggregate classification.

Dr. Peter K. Rogan Lab, Western University
No classification provided (evidence only). Condition: Ovarian serous cystadenocarcinoma. Review status: no classification provided. Collection method: in vitro. Allele origin: not applicable. Functional consequence: retained intron. Not counted in ClinVar's aggregate classification.

Dr. Peter K. Rogan Lab, Western University
No classification provided (evidence only). Condition: Ovarian serous cystadenocarcinoma. Review status: no classification provided. Collection method: in vitro. Allele origin: not applicable. Functional consequence: skipped exon, retained intron. Not counted in ClinVar's aggregate classification.

Dr. Peter K. Rogan Lab, Western University
No classification provided (evidence only). Condition: Ovarian serous cystadenocarcinoma. Review status: no classification provided. Collection method: in vitro. Allele origin: not applicable. Functional consequence: skipped exon, retained intron. Not counted in ClinVar's aggregate classification.

Dr. Peter K. Rogan Lab, Western University
No classification provided (evidence only). Condition: Ovarian serous cystadenocarcinoma. Review status: no classification provided. Collection method: in vitro. Allele origin: not applicable. Functional consequence: retained intron. Not counted in ClinVar's aggregate classification.

Dr. Peter K. Rogan Lab, Western University
No classification provided (evidence only). Condition: Ovarian serous cystadenocarcinoma. Review status: no classification provided. Collection method: in vitro. Allele origin: not applicable. Functional consequence: retained intron. Not counted in ClinVar's aggregate classification.

Dr. Peter K. Rogan Lab, Western University
No classification provided (evidence only). Condition: Ovarian serous cystadenocarcinoma. Review status: no classification provided. Collection method: in vitro. Allele origin: not applicable. Functional consequence: retained intron. Not counted in ClinVar's aggregate classification.

Dr. Peter K. Rogan Lab, Western University
No classification provided (evidence only). Condition: Gastric cancer. Review status: no classification provided. Collection method: in vitro. Allele origin: not applicable. Functional consequence: retained intron. Not counted in ClinVar's aggregate classification.

Dr. Peter K. Rogan Lab, Western University
No classification provided (evidence only). Condition: Gastric cancer. Review status: no classification provided. Collection method: in vitro. Allele origin: not applicable. Functional consequence: retained intron. Not counted in ClinVar's aggregate classification.

Dr. Peter K. Rogan Lab, Western University
No classification provided (evidence only). Condition: Gastric cancer. Review status: no classification provided. Collection method: in vitro. Allele origin: not applicable. Functional consequence: retained intron. Not counted in ClinVar's aggregate classification.

Dr. Peter K. Rogan Lab, Western University
No classification provided (evidence only). Condition: Gastric cancer. Review status: no classification provided. Collection method: in vitro. Allele origin: not applicable. Functional consequence: retained intron. Not counted in ClinVar's aggregate classification.

Dr. Peter K. Rogan Lab, Western University
No classification provided (evidence only). Condition: Uterine carcinosarcoma. Review status: no classification provided. Collection method: in vitro. Allele origin: not applicable. Functional consequence: retained intron. Not counted in ClinVar's aggregate classification.

Dr. Peter K. Rogan Lab, Western University
No classification provided (evidence only). Condition: Uterine carcinosarcoma. Review status: no classification provided. Collection method: in vitro. Allele origin: not applicable. Functional consequence: skipped exon, retained intron. Not counted in ClinVar's aggregate classification.

Dr. Peter K. Rogan Lab, Western University
No classification provided (evidence only). Condition: Malignant tumor of esophagus. Review status: no classification provided. Collection method: in vitro. Allele origin: not applicable. Functional consequence: retained intron. Not counted in ClinVar's aggregate classification.

Dr. Peter K. Rogan Lab, Western University
No classification provided (evidence only). Condition: Malignant tumor of esophagus. Review status: no classification provided. Collection method: in vitro. Allele origin: not applicable. Functional consequence: retained intron. Not counted in ClinVar's aggregate classification.

NM_004960.4(FUS):c.833-29C>T

Gene: FUS (FUS DNA/RNA binding protein; plus strand). Cytogenetic location: 16p11.2.
Variant type: single nucleotide variant.
Coding change: c.833-29C>T on transcript NM_004960.4 (MANE Select); 29 bases into the intron before coding-DNA position 833, C replaced by T.
Molecular consequence: intron variant.
Genome position (GRCh38, 1-based): chr16:31,189,094, C>T. VCF-style: chr16-31189094-C-T. GRCh37 (hg19) VCF-style: chr16-31200415-C-T.
Other names: NC_000016.9:g.31200415C>T; c.821-29C>T (NM_001170937.1); c.830-29C>T (NM_001170634.1).
Identifiers: ClinVar variation 1218785 (VCV001218785.35), dbSNP rs72550862, ClinGen allele CA8023860.
Genomic context (GRCh38, chr16:31,189,094, plus strand): 5'-TTGCTTGATGGATACTAGGTGCTTTAGGTTTTTTCCTGTGTTTTTTATTTTACCTTTTCA[C>T]ATTTGCATTTTCTCTGTTCAACAAGCAGAACAGGATAATTCAGACAACAACACCATCTTT-3'